The following is an entry in ClinVar:

NM_020812.4(DOCK6):c.3163G>A (p.Val1055Met)

Gene: DOCK6 (dedicator of cytokinesis 6; minus strand). Cytogenetic location: 19p13.2.
Variant type: single nucleotide variant.
Coding change: c.3163G>A on transcript NM_020812.4 (MANE Select); coding-DNA position 3163, G replaced by A.
Protein change: p.Val1055Met; replaces valine 1055 with methionine.
Molecular consequence: missense variant.
Genome position (GRCh38, 1-based): chr19:11,222,812, C>T on the plus strand (G>A on the coding strand, the complement: DOCK6 is on the minus strand). VCF-style: chr19-11222812-C-T. GRCh37 (hg19) VCF-style: chr19-11333488-C-T.
Other names: c.3163G>A (NM_020812.2, NM_020812.3); c.3268G>A, p.Val1090Met (NM_001367830.1); short protein forms V1055M, V1090M.
Identifiers: ClinVar variation 1489179 (VCV001489179.30), dbSNP rs202209921, ClinGen allele CA9207342.

ClinVar aggregate classification (germline): Conflicting classifications of pathogenicity. Review status: criteria provided, conflicting classifications (1 of 4 stars). 5 submissions from 5 submitters: Uncertain significance (2); Likely benign (2). 1 of the submissions does not count toward it. Last evaluated 2026-07-01.

Conditions:
Inborn genetic diseases. Identifiers: MedGen C0950123, MeSH D030342.
DOCK6-related disorder. Also called: DOCK6-related condition.

Allele frequency attached by ClinVar (database versions not stated): 1000 Genomes Project 0.00040; 1000 Genomes Project 30x 0.00047; TOPMed 0.00132; ESP Exome Variant Server 0.00155.
gnomAD v4.1: 3,001 of 1,592,482 alleles (0.19%); highest among the groups gnomAD compares: Non-Finnish European, 0.23%; 3 homozygotes.

Submissions (5):

CeGaT Center for Human Genetics Tuebingen
Classification: Likely benign. Last evaluated: 2026-07-01. Review status: criteria provided, single submitter. Criteria: CeGaT Center For Human Genetics Tuebingen Variant Classification Criteria Version 2. Collection method: clinical testing. Allele origin: germline. Affected: yes. Observed: 2 variant alleles.
Comment: DOCK6: BS2

Labcorp Genetics (formerly Invitae), Labcorp
Classification: Uncertain significance. Last evaluated: 2022-10-19. Review status: criteria provided, single submitter. Criteria: Invitae Variant Classification Sherloc (09022015). Collection method: clinical testing. Allele origin: germline.
Comment: This sequence change replaces valine, which is neutral and non-polar, with methionine, which is neutral and non-polar, at codon 1055 of the DOCK6 protein (p.Val1055Met). This variant is present in population databases (rs202209921, gnomAD 0.3%), and has an allele count higher than expected for a pathogenic variant. This missense change has been observed in individual(s) with congenital heart disease (PMID: 30293987). ClinVar contains an entry for this variant (Variation ID: 1489179). Advanced modeling of protein sequence and biophysical properties (such as structural, functional, and spatial information, amino acid conservation, physicochemical variation, residue mobility, and thermodynamic stability) performed at Invitae indicates that this missense variant is expected to disrupt DOCK6 protein function. In summary, the available evidence is currently insufficient to determine the role of this variant in disease. Therefore, it has been classified as a Variant of Uncertain Significance.

Ambry Genetics
Classification: Likely benign for Inborn genetic diseases. Last evaluated: 2022-01-12. Review status: criteria provided, single submitter. Criteria: Ambry Variant Classification Scheme 2023. Collection method: clinical testing. Allele origin: germline.

Breakthrough Genomics
Classification: Uncertain significance. Review status: criteria provided, single submitter. Criteria: ACMG Guidelines, 2015. Collection method: not provided. Allele origin: germline. Inheritance: Autosomal recessive inheritance. Affected: yes.

PreventionGenetics, part of Exact Sciences
Classification: Likely benign for DOCK6-related condition. Last evaluated: 2022-04-20. Review status: no assertion criteria provided. Collection method: clinical testing. Allele origin: germline. Not counted in ClinVar's aggregate classification.
Comment: This variant is classified as likely benign based on ACMG/AMP sequence variant interpretation guidelines (Richards et al. 2015 PMID: 25741868, with internal and published modifications).

Literature cited by the submitters: PubMed 30293987 (cited by Labcorp Genetics (formerly Invitae), Labcorp).